The following is an entry in ClinVar:

NM_000520.6(HEXA):c.17T>G (p.Leu6Arg)

Gene: HEXA (hexosaminidase subunit alpha; minus strand). Cytogenetic location: 15q23.
Variant type: single nucleotide variant.
Coding change: c.17T>G on transcript NM_000520.6 (MANE Select); coding-DNA position 17, T replaced by G.
Protein change: p.Leu6Arg; replaces leucine 6 with arginine.
Molecular consequence: missense variant. On other transcripts: non-coding transcript variant (1).
Genome position (GRCh38, 1-based): chr15:72,375,956, A>C on the plus strand (T>G on the coding strand, the complement: HEXA is on the minus strand). VCF-style: chr15-72375956-A-C. GRCh37 (hg19) VCF-style: chr15-72668297-A-C.
Other names: c.17T>G, p.Leu6Arg (NM_001318825.2); short protein forms L6R.
Identifiers: ClinVar variation 2148412 (VCV002148412.1), dbSNP rs1424640566, ClinGen allele CA393070848.

ClinVar aggregate classification (germline): Uncertain significance (1 of 4 stars; one submission).

Conditions:
Tay-Sachs disease (TSD). Also called: GM2 gangliosidosis, type 1; Hexosaminidase alpha-subunit deficiency (variant B); Sphingolipidosis, Tay-Sachs; Hexosaminidase A Deficiency; HEXA DEFICIENCY; HEXA Disorders. Identifiers: Orphanet 845, MedGen C0039373, MONDO:0010100, OMIM 272800.

Allele frequency attached by ClinVar (database versions not stated): gnomAD 0.00001; TOPMed 0.00001.
gnomAD v4.1: 2 of 1,613,566 alleles (0.00012%); highest among the groups gnomAD compares: Non-Finnish European, 0.00017%; no homozygotes.

Submission:

Labcorp Genetics (formerly Invitae), Labcorp
Classification: Uncertain significance for Tay-Sachs disease. Last evaluated: 2018-04-12. Review status: criteria provided, single submitter. Criteria: Invitae Variant Classification Sherloc (09022015). Collection method: clinical testing. Allele origin: germline.
Comment: This sequence change replaces leucine with arginine at codon 6 of the HEXA protein (p.Leu6Arg). The leucine residue is moderately conserved and there is a moderate physicochemical difference between leucine and arginine. This variant is not present in population databases (ExAC no frequency). This variant has not been reported in the literature in individuals with HEXA-related disease. In summary, the available evidence is currently insufficient to determine the role of this variant in disease. Therefore, it has been classified as a Variant of Uncertain Significance.